The following is an entry in ClinVar:

NM_001035.3(RYR2):c.1100A>G (p.Asp367Gly)

Gene: RYR2 (ryanodine receptor 2; plus strand). Cytogenetic location: 1q43.
Variant type: single nucleotide variant.
Coding change: c.1100A>G on transcript NM_001035.3 (MANE Select); coding-DNA position 1100, A replaced by G.
Protein change: p.Asp367Gly; replaces aspartic acid 367 with glycine.
Molecular consequence: missense variant.
Genome position (GRCh38, 1-based): chr1:237,441,413, A>G. VCF-style: chr1-237441413-A-G. GRCh37 (hg19) VCF-style: chr1-237604713-A-G.
Other names: short protein forms D367G.
Identifiers: ClinVar variation 4158420 (VCV004158420.1).

ClinVar aggregate classification (germline): Uncertain significance (1 of 4 stars; one submission).

Conditions:
Cardiovascular phenotype. Identifiers: MedGen CN230736.

gnomAD v4.1: 1 of 1,613,010 alleles (0.000062%); highest among the groups gnomAD compares: Non-Finnish European, 0.000085%; no homozygotes.

Submission:

Ambry Genetics
Classification: Uncertain significance for Cardiovascular phenotype. Last evaluated: 2025-08-07. Review status: criteria provided, single submitter. Criteria: Ambry Variant Classification Scheme 2023. Collection method: clinical testing. Allele origin: germline.
Comment: The p.D367G variant (also known as c.1100A>G), located in coding exon 13 of the RYR2 gene, results from an A to G substitution at nucleotide position 1100. The aspartic acid at codon 367 is replaced by glycine, an amino acid with similar properties. This amino acid position is not well conserved in available vertebrate species. In addition, this alteration is predicted to be tolerated by in silico analysis. Based on the available evidence, the clinical significance of this variant remains unclear.